The following is an entry in ClinVar:

ClinVar aggregate classification (germline): Uncertain significance. Review status: criteria provided, multiple submitters, no conflicts (2 of 4 stars). 4 submissions from 4 submitters: Uncertain significance (4). Last evaluated 2023-05-01.

Conditions:
Alport syndrome. Also called: Hemorrhagic familial nephritis; Hemorrhagic hereditary nephritis; Congenital hereditary hematuria. Identifiers: Orphanet 63, MedGen C1567741, MONDO:0018965.
Inborn genetic diseases. Identifiers: MedGen C0950123, MeSH D030342.

Allele frequency attached by ClinVar (database versions not stated): gnomAD exomes 0.00001; TOPMed 0.00001; ESP Exome Variant Server 0.00008.
gnomAD v4.1: 14 of 1,613,872 alleles (0.00087%); highest among the groups gnomAD compares: Non-Finnish European, 0.0012%; no homozygotes.

Submissions (4):

GeneDx
Classification: Uncertain significance. Last evaluated: 2023-05-01. Review status: criteria provided, single submitter. Criteria: GeneDx Variant Classification Process June 2021. Collection method: clinical testing. Allele origin: germline. Affected: yes.
Comment: Not observed at significant frequency in large population cohorts (gnomAD); In silico analysis supports that this missense variant does not alter protein structure/function; Occurs in the triple helical domain at the X position in the canonical Gly-X-Y repeat; although this variant may have an effect on normal protein folding and function, missense substitution at the X position is not a common mechanism of disease; Has not been previously published as pathogenic or benign to our knowledge

Ambry Genetics
Classification: Uncertain significance for Inborn genetic diseases. Last evaluated: 2023-04-04. Review status: criteria provided, single submitter. Criteria: Ambry Variant Classification Scheme 2023. Collection method: clinical testing. Allele origin: germline.

Labcorp Genetics (formerly Invitae), Labcorp
Classification: Uncertain significance. Last evaluated: 2022-05-28. Review status: criteria provided, single submitter. Criteria: Invitae Variant Classification Sherloc (09022015). Collection method: clinical testing. Allele origin: germline.
Comment: This sequence change replaces alanine, which is neutral and non-polar, with valine, which is neutral and non-polar, at codon 793 of the COL4A4 protein (p.Ala793Val). This variant is present in population databases (rs377676207, gnomAD 0.0009%). This variant has not been reported in the literature in individuals affected with COL4A4-related conditions. ClinVar contains an entry for this variant (Variation ID: 334720). Advanced modeling of protein sequence and biophysical properties (such as structural, functional, and spatial information, amino acid conservation, physicochemical variation, residue mobility, and thermodynamic stability) performed at Invitae indicates that this missense variant is not expected to disrupt COL4A4 protein function. In summary, the available evidence is currently insufficient to determine the role of this variant in disease. Therefore, it has been classified as a Variant of Uncertain Significance.

Illumina Laboratory Services, Illumina
Classification: Uncertain significance for Alport syndrome. Last evaluated: 2018-01-12. Review status: criteria provided, single submitter. Criteria: ICSL Variant Classification Criteria 13 December 2019. Collection method: clinical testing. Allele origin: germline.

NM_000092.5(COL4A4):c.2378C>T (p.Ala793Val)

Gene: COL4A4 (collagen type IV alpha 4 chain; minus strand). Cytogenetic location: 2q36.3.
Variant type: single nucleotide variant.
Coding change: c.2378C>T on transcript NM_000092.5 (MANE Select); coding-DNA position 2378, C replaced by T.
Protein change: p.Ala793Val; replaces alanine 793 with valine.
Molecular consequence: missense variant.
Genome position (GRCh38, 1-based): chr2:227,059,410, G>A on the plus strand (C>T on the coding strand, the complement: COL4A4 is on the minus strand). VCF-style: chr2-227059410-G-A. GRCh37 (hg19) VCF-style: chr2-227924126-G-A.
Other names: short protein forms A793V.
Identifiers: ClinVar variation 334720 (VCV000334720.9), dbSNP rs377676207, ClinGen allele CA10614430.